The following is an entry in ClinVar:

ClinVar aggregate classification (germline): Uncertain significance (1 of 4 stars; one submission).

Submission:

Labcorp Genetics (formerly Invitae), Labcorp
Classification: Uncertain significance. Last evaluated: 2020-09-20. Review status: criteria provided, single submitter. Criteria: Invitae Variant Classification Sherloc (09022015). Collection method: clinical testing. Allele origin: germline.
Comment: In summary, the available evidence is currently insufficient to determine the role of this variant in disease. Therefore, it has been classified as a Variant of Uncertain Significance. Algorithms developed to predict the effect of missense changes on protein structure and function (SIFT, PolyPhen-2, Align-GVGD) all suggest that this variant is likely to be disruptive, but these predictions have not been confirmed by published functional studies and their clinical significance is uncertain. This variant has not been reported in the literature in individuals with COMP-related conditions. This variant is not present in population databases (ExAC no frequency). This sequence change replaces cysteine with arginine at codon 266 of the COMP protein (p.Cys266Arg). The cysteine residue is highly conserved and there is a large physicochemical difference between cysteine and arginine.

NM_000095.3(COMP):c.796T>C (p.Cys266Arg)

Gene: COMP (cartilage oligomeric matrix protein; minus strand). Cytogenetic location: 19p13.11.
Variant type: single nucleotide variant.
Coding change: c.796T>C on transcript NM_000095.3 (MANE Select); coding-DNA position 796, T replaced by C.
Protein change: p.Cys266Arg; replaces cysteine 266 with arginine.
Molecular consequence: missense variant.
Genome position (GRCh38, 1-based): chr19:18,788,481, A>G on the plus strand (T>C on the coding strand, the complement: COMP is on the minus strand). VCF-style: chr19-18788481-A-G. GRCh37 (hg19) VCF-style: chr19-18899290-A-G.
Other names: short protein forms C266R.
Identifiers: ClinVar variation 1056745 (VCV001056745.9), dbSNP rs2145903454, ClinGen allele CA404892899.